The following is an entry in ClinVar:

ClinVar aggregate classification (germline): Uncertain significance (1 of 4 stars; one submission).

Conditions:
Birt-Hogg-Dube syndrome. Also called: Birt Hogg Dubé syndrome. Identifiers: Orphanet 122, MedGen C0346010, MONDO:0800444.

Submission:

Labcorp Genetics (formerly Invitae), Labcorp
Classification: Uncertain significance for Birt-Hogg-Dube syndrome. Last evaluated: 2019-08-29. Review status: criteria provided, single submitter. Criteria: Invitae Variant Classification Sherloc (09022015). Collection method: clinical testing. Allele origin: germline.
Comment: In summary, the available evidence is currently insufficient to determine the role of this variant in disease. Therefore, it has been classified as a Variant of Uncertain Significance. Algorithms developed to predict the effect of missense changes on protein structure and function (SIFT, PolyPhen-2, Align-GVGD) all suggest that this variant is likely to be tolerated, but these predictions have not been confirmed by published functional studies and their clinical significance is uncertain. This variant has not been reported in the literature in individuals with FLCN-related conditions. This variant is not present in population databases (ExAC no frequency). This sequence change replaces alanine with serine at codon 412 of the FLCN protein (p.Ala412Ser). The alanine residue is highly conserved and there is a moderate physicochemical difference between alanine and serine.

NM_144997.7(FLCN):c.1234G>T (p.Ala412Ser)

Gene: FLCN (folliculin; minus strand). Cytogenetic location: 17p11.2.
Variant type: single nucleotide variant.
Coding change: c.1234G>T on transcript NM_144997.7 (MANE Select); coding-DNA position 1234, G replaced by T.
Protein change: p.Ala412Ser; replaces alanine 412 with serine.
Molecular consequence: missense variant.
Genome position (GRCh38, 1-based): chr17:17,216,446, C>A on the plus strand (G>T on the coding strand, the complement: FLCN is on the minus strand). VCF-style: chr17-17216446-C-A. GRCh37 (hg19) VCF-style: chr17-17119760-C-A.
Other names: c.1288G>T, p.Ala430Ser (NM_001353229.2); c.1234G>T, p.Ala412Ser (NM_001353230.2, NM_001353231.2); short protein forms A412S, A430S.
Identifiers: ClinVar variation 961498 (VCV000961498.7), dbSNP rs866494624, ClinGen allele CA288307335.